The following is an entry in ClinVar:

NM_001429.4(EP300):c.2868T>C (p.Ser956=)

Genes: EP300 (EP300 lysine acetyltransferase; plus strand), LOC126863158 (BRD4-independent group 4 enhancer GRCh37_chr22:41547383-41548582; plus strand). Cytogenetic location: 22q13.2.
Variant type: single nucleotide variant.
Coding change: c.2868T>C on transcript NM_001429.4 (MANE Select); coding-DNA position 2868, T replaced by C.
Protein change: p.Ser956=; no amino-acid change (serine 956 retained).
Molecular consequence: synonymous variant.
Genome position (GRCh38, 1-based): chr22:41,151,883, T>C. VCF-style: chr22-41151883-T-C. GRCh37 (hg19) VCF-style: chr22-41547887-T-C.
Other names: c.2790T>C, p.Ser930= (NM_001362843.2).
Identifiers: ClinVar variation 2890396 (VCV002890396.4), dbSNP rs766451204, ClinGen allele CA10252981.

ClinVar aggregate classification (germline): Likely benign. Review status: criteria provided, multiple submitters, no conflicts (2 of 4 stars). 2 submissions from 2 submitters: Likely benign (2). Last evaluated 2024-04-04.

Conditions:
Rubinstein-Taybi syndrome due to EP300 haploinsufficiency. Also called: RUBINSTEIN-TAYBI SYNDROME 2; EP300-Related Rubinstein-Taybi Syndrome. Identifiers: Orphanet 353284, Orphanet 783, MedGen C3150941, MONDO:0013364, OMIM 613684.

Allele frequency attached by ClinVar (database versions not stated): ExAC 0.00001.
gnomAD v4.1: 4 of 1,614,092 alleles (0.00025%); highest among the groups gnomAD compares: Non-Finnish European, 0.00034%; no homozygotes.

Submissions (2):

Women's Health and Genetics/Laboratory Corporation of America, LabCorp
Classification: Likely benign. Last evaluated: 2024-04-04. Review status: criteria provided, single submitter. Criteria: LabCorp Variant Classification Summary - May 2015. Collection method: clinical testing. Allele origin: germline.
Comment: Variant summary: EP300 c.2868T>C alters a conserved nucleotide resulting in a synonymous change. Consensus agreement among computation tools predict no significant impact on normal splicing. However, these predictions have yet to be confirmed by functional studies. The variant allele was found at a frequency of 4e-06 in 251446 control chromosomes (gnomAD v2.1). The available data on variant occurrences in the general population are insufficient to allow any conclusion about variant significance. To our knowledge, no occurrence of c.2868T>C in individuals affected with Rubinstein-Taybi Syndrome 2 and no experimental evidence demonstrating its impact on protein function have been reported. ClinVar contains an entry for this variant (Variation ID: 2890396). Based on the evidence outlined above, the variant was classified as likely benign.

Labcorp Genetics (formerly Invitae), Labcorp
Classification: Likely benign for Rubinstein-Taybi syndrome due to EP300 haploinsufficiency. Last evaluated: 2023-07-12. Review status: criteria provided, single submitter. Criteria: Invitae Variant Classification Sherloc (09022015). Collection method: clinical testing. Allele origin: germline.